The following is an entry in ClinVar:

NM_006445.4(PRPF8):c.5377-1G>T

Gene: PRPF8 (pre-mRNA processing factor 8; minus strand). Cytogenetic location: 17p13.3.
Variant type: single nucleotide variant.
Coding change: c.5377-1G>T on transcript NM_006445.4 (MANE Select); the canonical splice acceptor site of the intron before coding-DNA position 5377, G replaced by T.
Molecular consequence: splice acceptor variant.
Genome position (GRCh38, 1-based): chr17:1,658,382, C>A on the plus strand (G>T on the coding strand, the complement: PRPF8 is on the minus strand). VCF-style: chr17-1658382-C-A. GRCh37 (hg19) VCF-style: chr17-1561676-C-A.
Identifiers: ClinVar variation 1034482 (VCV001034482.7), dbSNP rs1911505318, ClinGen allele CA397572428.

ClinVar aggregate classification (germline): Likely pathogenic (1 of 4 stars; one submission).

Conditions:
Retinitis pigmentosa 13 (RP13). Also called: PRPF 8-Related Retinitis Pigmentosa. Identifiers: Orphanet 791, MedGen C1838702, MONDO:0010806, OMIM 600059.

Submission:

Labcorp Genetics (formerly Invitae), Labcorp
Classification: Likely pathogenic. Last evaluated: 2024-04-22. Review status: criteria provided, single submitter. Criteria: Invitae Variant Classification Sherloc (09022015). Collection method: clinical testing. Allele origin: germline.
Comment: This sequence change affects an acceptor splice site in intron 33 of the PRPF8 gene. It is expected to disrupt RNA splicing. Variants that disrupt the donor or acceptor splice site typically lead to a loss of protein function (PMID: 16199547), and loss-of-function variants in PRPF8 are known to be pathogenic (PMID: 27208204, 31054281, 33946315). This variant is not present in population databases (gnomAD no frequency). This variant has not been reported in the literature in individuals affected with PRPF8-related conditions. ClinVar contains an entry for this variant (Variation ID: 1034482). Algorithms developed to predict the effect of sequence changes on RNA splicing suggest that this variant may disrupt the consensus splice site. In summary, the currently available evidence indicates that the variant is pathogenic, but additional data are needed to prove that conclusively. Therefore, this variant has been classified as Likely Pathogenic.

Literature cited by the submitters: PubMed 16199547 (cited by Labcorp Genetics (formerly Invitae), Labcorp); PubMed 27208204 (cited by Labcorp Genetics (formerly Invitae), Labcorp); PubMed 31054281 (cited by Labcorp Genetics (formerly Invitae), Labcorp); PubMed 33946315 (cited by Labcorp Genetics (formerly Invitae), Labcorp).